The following is an entry in ClinVar:

ClinVar aggregate classification (germline): Uncertain significance (1 of 4 stars; one submission).

Conditions:
Hereditary cancer-predisposing syndrome. Also called: Tumor predisposition; Hereditary Cancer Syndrome; Hereditary neoplastic syndrome; Neoplastic Syndromes, Hereditary. Identifiers: Orphanet 140162, MedGen C0027672, MeSH D009386, MONDO:0015356.

Allele frequency attached by ClinVar (database versions not stated): TOPMed below 0.00001.

Submission:

Ambry Genetics
Classification: Uncertain significance for Hereditary cancer-predisposing syndrome. Last evaluated: 2023-08-29. Review status: criteria provided, single submitter. Criteria: Ambry Variant Classification Scheme 2023. Collection method: clinical testing. Allele origin: germline.
Comment: The p.K503R variant (also known as c.1508A>G), located in coding exon 5 of the AXIN2 gene, results from an A to G substitution at nucleotide position 1508. The lysine at codon 503 is replaced by arginine, an amino acid with highly similar properties. This amino acid position is conserved. In addition, this alteration is predicted to be tolerated by in silico analysis. Since supporting evidence is limited at this time, the clinical significance of this alteration remains unclear.

NM_004655.4(AXIN2):c.1508A>G (p.Lys503Arg)

Gene: AXIN2 (axin 2; minus strand). Cytogenetic location: 17q24.1.
Variant type: single nucleotide variant.
Coding change: c.1508A>G on transcript NM_004655.4 (MANE Select); coding-DNA position 1508, A replaced by G.
Protein change: p.Lys503Arg; replaces lysine 503 with arginine.
Molecular consequence: missense variant.
Genome position (GRCh38, 1-based): chr17:65,537,528, T>C on the plus strand (A>G on the coding strand, the complement: AXIN2 is on the minus strand). VCF-style: chr17-65537528-T-C. GRCh37 (hg19) VCF-style: chr17-63533646-T-C.
Other names: c.1508A>G, p.Lys503Arg (NM_001363813.1); short protein forms K503R.
Identifiers: ClinVar variation 2598159 (VCV002598159.2), dbSNP rs1567755816, ClinGen allele CA400677371.